The following is an entry in ClinVar:

ClinVar aggregate classification (germline): Uncertain significance (1 of 4 stars; one submission).

Conditions:
Joubert syndrome. Also called: JOUBERT-BOLTSHAUSER SYNDROME; Familial aplasia of the vermis. Identifiers: Orphanet 475, MedGen C5979921, MONDO:0018772.
Meckel-Gruber syndrome. Also called: DYSENCEPHALIA SPLANCHNOCYSTICA; GRUBER SYNDROME; Dysencephalia splachnocystica. Identifiers: Orphanet 564, MedGen C0265215, MONDO:0018921.

Submission:

Labcorp Genetics (formerly Invitae), Labcorp
Classification: Uncertain significance for Joubert syndrome; Meckel-Gruber syndrome. Last evaluated: 2025-03-10. Review status: criteria provided, single submitter. Criteria: Invitae Variant Classification Sherloc (09022015). Collection method: clinical testing. Allele origin: germline.
Comment: This sequence change replaces arginine, which is basic and polar, with leucine, which is neutral and non-polar, at codon 1487 of the CC2D2A protein (p.Arg1487Leu). This variant is not present in population databases (gnomAD no frequency). This variant has not been reported in the literature in individuals affected with CC2D2A-related conditions. ClinVar contains an entry for this variant (Variation ID: 1996761). Invitae Evidence Modeling of protein sequence and biophysical properties (such as structural, functional, and spatial information, amino acid conservation, physicochemical variation, residue mobility, and thermodynamic stability) indicates that this missense variant is not expected to disrupt CC2D2A protein function with a negative predictive value of 95%. In summary, the available evidence is currently insufficient to determine the role of this variant in disease. Therefore, it has been classified as a Variant of Uncertain Significance.

NM_001378615.1(CC2D2A):c.4460G>T (p.Arg1487Leu)

Genes: CC2D2A (coiled-coil and C2 domain containing 2A; plus strand), FBXL5 (F-box and leucine rich repeat protein 5; minus strand). Cytogenetic location: 4p15.32.
Variant type: single nucleotide variant.
Coding change: c.4460G>T on transcript NM_001378615.1 (MANE Select); coding-DNA position 4460, G replaced by T.
Protein change: p.Arg1487Leu; replaces arginine 1487 with leucine.
Molecular consequence: missense variant.
Genome position (GRCh38, 1-based): chr4:15,597,429, G>T. VCF-style: chr4-15597429-G-T. GRCh37 (hg19) VCF-style: chr4-15599052-G-T.
Other names: c.4460G>T, p.Arg1487Leu (NM_001080522.2); c.4313G>T, p.Arg1438Leu (NM_001378617.1); short protein forms R1438L, R1487L.
Identifiers: ClinVar variation 1996761 (VCV001996761.4), dbSNP rs971832306, ClinGen allele CA356432157.